The following is an entry in ClinVar:

NM_017841.4(SDHAF2):c.58A>C (p.Ser20Arg)

Gene: SDHAF2 (succinate dehydrogenase complex assembly factor 2; plus strand). Cytogenetic location: 11q12.2.
Variant type: single nucleotide variant.
Coding change: c.58A>C on transcript NM_017841.4 (MANE Select); coding-DNA position 58, A replaced by C.
Protein change: p.Ser20Arg; replaces serine 20 with arginine.
Molecular consequence: missense variant.
Genome position (GRCh38, 1-based): chr11:61,437,646, A>C. VCF-style: chr11-61437646-A-C. GRCh37 (hg19) VCF-style: chr11-61205118-A-C.
Other names: short protein forms S20R.
Identifiers: ClinVar variation 3227060 (VCV003227060.1), dbSNP rs2540124020, ClinGen allele CA380682830.
Genomic context (GRCh38, chr11:61,437,646, plus strand): 5'-GTCATTATTGTAAAGATGTTTGTGGTTTGTTCATTTCAGATGCTTGCTCTGTCAAGGCAC[A>C]GCCTATTGTCTCCTTTGCTCAGTGTGACATCATTCAGACGCTTCTACAGAGGTGACAGCC-3'
Protein context (NP_060311.1, residues 10-30): SSLMLALSRH[Ser20Arg]LLSPLLSVTS

ClinVar aggregate classification (germline): Uncertain significance (1 of 4 stars; one submission).

Conditions:
Hereditary cancer-predisposing syndrome. Also called: Neoplastic Syndromes, Hereditary; Tumor predisposition; Hereditary neoplastic syndrome; Hereditary Cancer Syndrome. Identifiers: Orphanet 140162, MedGen C0027672, MeSH D009386, MONDO:0015356.

Submission:

Ambry Genetics
Classification: Uncertain significance for Hereditary cancer-predisposing syndrome. Last evaluated: 2023-12-29. Review status: criteria provided, single submitter. Criteria: Ambry Variant Classification Scheme 2023. Collection method: clinical testing. Allele origin: germline.
Comment: The p.S20R variant (also known as c.58A>C), located in coding exon 2 of the SDHAF2 gene, results from an A to C substitution at nucleotide position 58. The serine at codon 20 is replaced by arginine, an amino acid with dissimilar properties. This amino acid position is conserved. In addition, this alteration is predicted to be tolerated by in silico analysis. Since supporting evidence is limited at this time, the clinical significance of this alteration remains unclear.